The following is an entry in ClinVar:

NM_144997.7(FLCN):c.1693C>T (p.Leu565Phe)

Gene: FLCN (folliculin; minus strand). Cytogenetic location: 17p11.2.
Variant type: single nucleotide variant.
Coding change: c.1693C>T on transcript NM_144997.7 (MANE Select); coding-DNA position 1693, C replaced by T.
Protein change: p.Leu565Phe; replaces leucine 565 with phenylalanine.
Molecular consequence: missense variant.
Genome position (GRCh38, 1-based): chr17:17,213,702, G>A on the plus strand (C>T on the coding strand, the complement: FLCN is on the minus strand). VCF-style: chr17-17213702-G-A. GRCh37 (hg19) VCF-style: chr17-17117016-G-A.
Other names: c.1747C>T, p.Leu583Phe (NM_001353229.2); c.1693C>T, p.Leu565Phe (NM_001353230.2, NM_001353231.2); short protein forms L583F, L565F.
Identifiers: ClinVar variation 1778180 (VCV001778180.9), dbSNP rs2046816940, ClinGen allele CA398529837.

ClinVar aggregate classification (germline): Uncertain significance. Review status: criteria provided, multiple submitters, no conflicts (2 of 4 stars). 3 submissions from 3 submitters: Uncertain significance (3). Last evaluated 2025-12-22.

Conditions:
Hereditary cancer-predisposing syndrome. Also called: Tumor predisposition; Neoplastic Syndromes, Hereditary; Hereditary Cancer Syndrome; Hereditary neoplastic syndrome. Identifiers: Orphanet 140162, MedGen C0027672, MeSH D009386, MONDO:0015356.
Birt-Hogg-Dube syndrome. Also called: Birt Hogg Dubé syndrome. Identifiers: Orphanet 122, MedGen C0346010, MONDO:0800444.

Allele frequency attached by ClinVar (database versions not stated): TOPMed 0.00001.

Submissions (3):

Labcorp Genetics (formerly Invitae), Labcorp
Classification: Uncertain significance for Birt-Hogg-Dube syndrome. Last evaluated: 2025-12-22. Review status: criteria provided, single submitter. Criteria: Invitae Variant Classification Sherloc (09022015). Collection method: clinical testing. Allele origin: germline.
Comment: This sequence change replaces leucine, which is neutral and non-polar, with phenylalanine, which is neutral and non-polar, at codon 565 of the FLCN protein (p.Leu565Phe). This variant is not present in population databases (gnomAD no frequency). This variant has not been reported in the literature in individuals affected with FLCN-related conditions. ClinVar contains an entry for this variant (Variation ID: 1778180). Invitae Evidence Modeling of protein sequence and biophysical properties (such as structural, functional, and spatial information, amino acid conservation, physicochemical variation, residue mobility, and thermodynamic stability) indicates that this missense variant is not expected to disrupt FLCN protein function with a negative predictive value of 80%. In summary, the available evidence is currently insufficient to determine the role of this variant in disease. Therefore, it has been classified as a Variant of Uncertain Significance.

GeneDx
Classification: Uncertain significance. Last evaluated: 2024-03-12. Review status: criteria provided, single submitter. Criteria: GeneDx Variant Classification Process June 2021. Collection method: clinical testing. Allele origin: germline. Affected: yes.
Comment: Not observed at significant frequency in large population cohorts (gnomAD); In silico analysis supports that this missense variant does not alter protein structure/function; Has not been previously published as pathogenic or benign to our knowledge; This variant is associated with the following publications: (PMID: 17028174)

Ambry Genetics
Classification: Uncertain significance for Hereditary cancer-predisposing syndrome. Last evaluated: 2023-05-17. Review status: criteria provided, single submitter. Criteria: Ambry Variant Classification Scheme 2023. Collection method: clinical testing. Allele origin: germline.
Comment: The p.L565F variant (also known as c.1693C>T), located in coding exon 11 of the FLCN gene, results from a C to T substitution at nucleotide position 1693. The leucine at codon 565 is replaced by phenylalanine, an amino acid with highly similar properties. This amino acid position is highly conserved in available vertebrate species. In addition, this alteration is predicted to be deleterious by in silico analysis. Since supporting evidence is limited at this time, the clinical significance of this alteration remains unclear.